The following is an entry in ClinVar:

ClinVar aggregate classification (germline): Conflicting classifications of pathogenicity. Review status: criteria provided, conflicting classifications (1 of 4 stars). 8 submissions from 8 submitters: Uncertain significance (1); Benign (5); Likely benign (2). Last evaluated 2026-09-01.

Conditions:
Autosomal recessive limb-girdle muscular dystrophy type 2N. Also called: MUSCULAR DYSTROPHY-DYSTROGLYCANOPATHY, LIMB-GIRDLE, POMT2-RELATED; Muscular dystrophy-dystroglycanopathy (limb-girdle), type C, 2. Identifiers: Orphanet 206559, MedGen C3150418, MONDO:0013162, OMIM 613158.
Muscular dystrophy-dystroglycanopathy (congenital with brain and eye anomalies), type A2. Also called: MUSCULAR DYSTROPHY-DYSTROGLYCANOPATHY (CONGENITAL WITH BRAIN AND EYE ANOMALIES), TYPE A, 2; WALKER-WARBURG SYNDROME OR MUSCLE-EYE-BRAIN DISEASE, POMT2-RELATED. Identifiers: Orphanet 588, Orphanet 899, MedGen C3150411, MONDO:0013154, OMIM 613150.
Muscular dystrophy-dystroglycanopathy (congenital with impaired intellectual development), type B, 2. Also called: MUSCULAR DYSTROPHY, CONGENITAL, POMT2-RELATED; Muscular dystrophy-dystroglycanopathy (congenital with intellectual disability), type B2. Identifiers: MedGen C3150416, MONDO:0013160, OMIM 613156.

Allele frequency attached by ClinVar (database versions not stated): gnomAD exomes 0.00080; ExAC 0.00104; 1000 Genomes Project 30x 0.00297; ESP Exome Variant Server 0.00308; gnomAD 0.00308 and 0.00333; 1000 Genomes Project 0.00319; TOPMed 0.00360.
gnomAD v4.1: 993 of 1,614,036 alleles (0.062%); highest among the groups gnomAD compares: African/African-American, 1.1%; 1 homozygote.

Submissions (9):

CeGaT Center for Human Genetics Tuebingen
Classification: Likely benign. Last evaluated: 2026-09-01. Review status: criteria provided, single submitter. Criteria: CeGaT Center For Human Genetics Tuebingen Variant Classification Criteria Version 2. Collection method: clinical testing. Allele origin: germline. Affected: yes. Observed: 3 variant alleles.
Comment: POMT2: PM5, BS1

Labcorp Genetics (formerly Invitae), Labcorp
Classification: Benign for Muscular dystrophy-dystroglycanopathy (congenital with impaired intellectual development), type B, 2; Muscular dystrophy-dystroglycanopathy (congenital with brain and eye anomalies), type A2; Autosomal recessive limb-girdle muscular dystrophy type 2N. Last evaluated: 2026-01-26. Review status: criteria provided, single submitter. Criteria: Invitae Variant Classification Sherloc (09022015). Collection method: clinical testing. Allele origin: germline.

Mayo Clinic Laboratories, Mayo Clinic
Classification: Likely benign. Last evaluated: 2025-07-25. Review status: criteria provided, single submitter. Criteria: ACMG Guidelines, 2015. Collection method: clinical testing. Allele origin: germline. Observed: 3 variant alleles.
Comment: BA1, PP3_moderate

Blueprint Genetics
Classification: Uncertain significance. Last evaluated: 2024-11-06. Review status: criteria provided, single submitter. Criteria: ACMG Guidelines, 2015. Collection method: clinical testing. Allele origin: germline.

Athena Diagnostics
Classification: Benign. Last evaluated: 2020-03-12. Review status: criteria provided, single submitter. Criteria: Athena Diagnostics Criteria. Collection method: clinical testing. Allele origin: unknown.

GeneDx
Classification: Benign. Last evaluated: 2019-01-08. Review status: criteria provided, single submitter. Criteria: GeneDx Variant Classification Process June 2021. Collection method: clinical testing. Allele origin: germline. Affected: yes.

Eurofins Ntd Llc (ga)
Classification: Benign. Last evaluated: 2014-05-23. Review status: criteria provided, single submitter. Criteria: EGL Classification Definitions 2015. Collection method: clinical testing. Allele origin: germline. Observed: 1 variant allele, 1 heterozygote.

Breakthrough Genomics
Classification: Benign. Review status: criteria provided, single submitter. Criteria: ACMG Guidelines, 2015. Collection method: not provided. Allele origin: germline. Inheritance: Autosomal recessive inheritance. Affected: yes.

Dr. Peter K. Rogan Lab, Western University
No classification provided (evidence only). Condition: Gastric cancer. Review status: no classification provided. Collection method: in vitro. Allele origin: not applicable. Functional consequence: retained intron. Not counted in ClinVar's aggregate classification.

Literature cited by the submitters: PubMed 25267602 (cited by Mayo Clinic Laboratories, Mayo Clinic and Athena Diagnostics).

NM_013382.7(POMT2):c.1262G>A (p.Arg421Gln)

Gene: POMT2 (protein O-mannosyltransferase 2; minus strand). Cytogenetic location: 14q24.3.
Variant type: single nucleotide variant.
Coding change: c.1262G>A on transcript NM_013382.7 (MANE Select); coding-DNA position 1262, G replaced by A.
Protein change: p.Arg421Gln; replaces arginine 421 with glutamine.
Molecular consequence: missense variant.
Genome position (GRCh38, 1-based): chr14:77,286,814, C>T on the plus strand (G>A on the coding strand, the complement: POMT2 is on the minus strand). VCF-style: chr14-77286814-C-T. GRCh37 (hg19) VCF-style: chr14-77753157-C-T.
Other names: short protein forms R421Q.
Identifiers: ClinVar variation 194086 (VCV000194086.48), dbSNP rs151078549, ClinGen allele CA200959.